The following is an entry in ClinVar:

ClinVar aggregate classification (germline): Benign/Likely benign. Review status: criteria provided, multiple submitters, no conflicts (2 of 4 stars). 3 submissions from 3 submitters: Benign (1); Likely benign (1). 1 of the submissions does not count toward it. Last evaluated 2026-01-20.

Conditions:
C9-related disorder. Also called: C9-related condition.

Allele frequency attached by ClinVar (database versions not stated): gnomAD 0.00006 and 0.00033; TOPMed 0.00010; gnomAD exomes 0.00124; ExAC 0.00148; 1000 Genomes Project 0.00220; 1000 Genomes Project 30x 0.00250.
gnomAD v4.1: 992 of 1,613,104 alleles (0.061%); highest among the groups gnomAD compares: South Asian, 0.91%; 16 homozygotes.

Submissions (3):

Labcorp Genetics (formerly Invitae), Labcorp
Classification: Benign. Last evaluated: 2026-01-20. Review status: criteria provided, single submitter. Criteria: Invitae Variant Classification Sherloc (09022015). Collection method: clinical testing. Allele origin: germline.

Blueprint Genetics
Classification: Likely benign. Last evaluated: 2024-11-25. Review status: criteria provided, single submitter. Criteria: ACMG Guidelines, 2015. Collection method: clinical testing. Allele origin: germline.

PreventionGenetics, part of Exact Sciences
Classification: Benign for C9-related condition. Last evaluated: 2019-11-26. Review status: no assertion criteria provided. Collection method: clinical testing. Allele origin: germline. Not counted in ClinVar's aggregate classification.
Comment: This variant is classified as benign based on ACMG/AMP sequence variant interpretation guidelines (Richards et al. 2015 PMID: 25741868, with internal and published modifications).

NM_001737.5(C9):c.1401T>G (p.Val467=)

Gene: C9 (complement C9; minus strand). Cytogenetic location: 5p13.1.
Variant type: single nucleotide variant.
Coding change: c.1401T>G on transcript NM_001737.5 (MANE Select); coding-DNA position 1401, T replaced by G.
Protein change: p.Val467=; no amino-acid change (valine 467 retained).
Molecular consequence: synonymous variant.
Genome position (GRCh38, 1-based): chr5:39,306,632, A>C on the plus strand (T>G on the coding strand, the complement: C9 is on the minus strand). VCF-style: chr5-39306632-A-C. GRCh37 (hg19) VCF-style: chr5-39306734-A-C.
Other names: c.1401T>G (NM_001737.4).
Identifiers: ClinVar variation 1169245 (VCV001169245.12), dbSNP rs201909611, ClinGen allele CA3246712.